The following is an entry in ClinVar:

NM_000350.3(ABCA4):c.6730-52G>A

Gene: ABCA4 (ATP binding cassette subfamily A member 4; minus strand). Cytogenetic location: 1p22.1.
Variant type: single nucleotide variant.
Coding change: c.6730-52G>A on transcript NM_000350.3 (MANE Select); 52 bases into the intron before coding-DNA position 6730, G replaced by A.
Molecular consequence: intron variant.
Genome position (GRCh38, 1-based): chr1:93,996,247, C>T on the plus strand (G>A on the coding strand, the complement: ABCA4 is on the minus strand). VCF-style: chr1-93996247-C-T. GRCh37 (hg19) VCF-style: chr1-94461803-C-T.
Other names: c.6508-52G>A (NM_001425324.1).
Identifiers: ClinVar variation 4857236 (VCV004857236.1).

ClinVar aggregate classification (germline): Uncertain significance (1 of 4 stars; one submission).

Conditions:
Severe early-childhood-onset retinal dystrophy (STGD1). Also called: Stargardt macular dystrophy; Juvenile onset macular degeneration; Stargardt disease 1; MACULAR DYSTROPHY WITH FLECKS, TYPE 1; STGD. Identifiers: Orphanet 364055, Orphanet 827, MedGen C1855465, MeSH D000080362, MONDO:0009549, OMIM 248200.

gnomAD v4.1: 14 of 1,367,810 alleles (0.001%); highest among the groups gnomAD compares: Middle Eastern, 0.089%; no homozygotes.

Submission:

MVZ Medizinische Genetik Mainz
Classification: Uncertain significance for Severe early-childhood-onset retinal dystrophy. Last evaluated: 2026-05-26. Review status: criteria provided, single submitter. Criteria: UK Practice Guidelines For Variant Classification V4 01 2020. Collection method: clinical testing. Allele origin: germline. Inheritance: Autosomal recessive inheritance. Affected: yes. Observed: 1 variant allele.
Comment: ACMG Criteria: PM2_SUP,PM3_SUP,PP4,BP4